The following is an entry in ClinVar:

ClinVar aggregate classification (germline): Uncertain significance. Review status: criteria provided, multiple submitters, no conflicts (2 of 4 stars). 2 submissions from 2 submitters: Uncertain significance (2). Last evaluated 2025-04-06.

Conditions:
Inborn genetic diseases. Identifiers: MedGen C0950123, MeSH D030342.

Allele frequency attached by ClinVar (database versions not stated): gnomAD exomes below 0.00001; ExAC 0.00001; gnomAD 0.00001; TOPMed 0.00001.
gnomAD v4.1: 4 of 1,611,696 alleles (0.00025%); highest among the groups gnomAD compares: African/African-American, 0.0013%; no homozygotes.

Submissions (2):

Ambry Genetics
Classification: Uncertain significance for Inborn genetic diseases. Last evaluated: 2025-04-06. Review status: criteria provided, single submitter. Criteria: Ambry Variant Classification Scheme 2023. Collection method: clinical testing. Allele origin: germline.

Labcorp Genetics (formerly Invitae), Labcorp
Classification: Uncertain significance. Last evaluated: 2023-09-05. Review status: criteria provided, single submitter. Criteria: Invitae Variant Classification Sherloc (09022015). Collection method: clinical testing. Allele origin: germline.
Comment: This sequence change replaces aspartic acid, which is acidic and polar, with glycine, which is neutral and non-polar, at codon 518 of the CEP78 protein (p.Asp518Gly). This variant is present in population databases (rs780497087, gnomAD 0.01%). In summary, the available evidence is currently insufficient to determine the role of this variant in disease. Therefore, it has been classified as a Variant of Uncertain Significance. This variant has not been reported in the literature in individuals affected with CEP78-related conditions. Advanced modeling of protein sequence and biophysical properties (such as structural, functional, and spatial information, amino acid conservation, physicochemical variation, residue mobility, and thermodynamic stability) performed at Invitae indicates that this missense variant is expected to disrupt CEP78 protein function.

NM_001330691.3(CEP78):c.1550A>G (p.Asp517Gly)

Gene: CEP78 (centrosomal protein 78; plus strand). Cytogenetic location: 9q21.2.
Variant type: single nucleotide variant.
Coding change: c.1550A>G on transcript NM_001330691.3 (MANE Select); coding-DNA position 1550, A replaced by G.
Protein change: p.Asp517Gly; replaces aspartic acid 517 with glycine.
Molecular consequence: missense variant.
Genome position (GRCh38, 1-based): chr9:78,264,241, A>G. VCF-style: chr9-78264241-A-G. GRCh37 (hg19) VCF-style: chr9-80879157-A-G.
Other names: c.1553A>G (NM_001098802.1); c.1553A>G, p.Asp518Gly (NM_001098802.3, NM_001349839.2, NM_001349840.2 and 1 more transcripts); c.1550A>G, p.Asp517Gly (NM_001330693.3, NM_001330694.2, NM_001349838.2); short protein forms D517G, D518G.
Identifiers: ClinVar variation 2990139 (VCV002990139.4), dbSNP rs780497087, ClinGen allele CA5095287.